The following is an entry in ClinVar:

ClinVar aggregate classification (germline): Pathogenic (1 of 4 stars; one submission).

Conditions:
Autoimmune lymphoproliferative syndrome type 1. Also called: AUTOIMMUNE LYMPHOPROLIFERATIVE SYNDROME, TYPE I, AUTOSOMAL DOMINANT. Identifiers: Orphanet 3261, MedGen C2717884, MONDO:0011158, OMIM 601859.

Submission:

Labcorp Genetics (formerly Invitae), Labcorp
Classification: Pathogenic for Autoimmune lymphoproliferative syndrome. Last evaluated: 2022-10-19. Review status: criteria provided, single submitter. Criteria: Invitae Variant Classification Sherloc (09022015). Collection method: clinical testing. Allele origin: germline.
Comment: For these reasons, this variant has been classified as Pathogenic. This variant disrupts a region of the FAS protein in which other variant(s) (p.Cys107Tyr) have been determined to be pathogenic (PMID: 21183795, 22752343, 26563159). This suggests that this is a clinically significant region of the protein, and that variants that disrupt it are likely to be disease-causing. This variant has not been reported in the literature in individuals affected with FAS-related conditions. This variant is a gross deletion of the genomic region encompassing exon(s) 3-6 of the FAS gene. This variant would be expected to be in-frame, preserving the integrity of the reading frame.

Literature cited by the submitters: PubMed 21183795; PubMed 22752343; PubMed 26563159.

NC_000010.10:g.(?_90767437)_(90770592_?)del

Gene: FAS (Fas cell surface death receptor; plus strand). Cytogenetic location: 10q23.31.
Variant type: Deletion.
Identifiers: ClinVar variation 2422187 (VCV002422187.4).